The following is an entry in ClinVar:

NM_000219.6(KCNE1):c.219C>T (p.His73=)

Gene: KCNE1 (potassium voltage-gated channel subfamily E regulatory subunit 1; minus strand). Cytogenetic location: 21q22.12.
Variant type: single nucleotide variant.
Coding change: c.219C>T on transcript NM_000219.6 (MANE Select); coding-DNA position 219, C replaced by T.
Protein change: p.His73=; no amino-acid change (histidine 73 retained).
Molecular consequence: synonymous variant.
Genome position (GRCh38, 1-based): chr21:34,449,416, G>A on the plus strand (C>T on the coding strand, the complement: KCNE1 is on the minus strand). VCF-style: chr21-34449416-G-A. GRCh37 (hg19) VCF-style: chr21-35821714-G-A.
Other names: c.219C>T, p.His73= (NM_001127668.4, NM_001127669.4, NM_001127670.4 and 4 more transcripts).
Identifiers: ClinVar variation 2976069 (VCV002976069.5), dbSNP rs2516763496, ClinGen allele CA2654363434.

ClinVar aggregate classification (germline): Likely benign (1 of 4 stars; one submission).

Conditions:
Long QT syndrome (LQTS). Identifiers: MedGen C0023976, MeSH D008133, MONDO:0002442. Disease mechanism: loss of function. Inheritance: Various modes of inheritance.

Allele frequency attached by ClinVar (database versions not stated): gnomAD exomes below 0.00001.
gnomAD v4.1: 3 of 1,595,312 alleles (0.00019%); highest among the groups gnomAD compares: Middle Eastern, 0.017%; no homozygotes.

Submissions (2):

Labcorp Genetics (formerly Invitae), Labcorp
Classification: Likely benign for Long QT syndrome. Last evaluated: 2023-02-27. Review status: criteria provided, single submitter. Criteria: Invitae Variant Classification Sherloc (09022015). Collection method: clinical testing. Allele origin: germline.

Roden Lab, Vanderbilt University Medical Center
No classification provided (evidence only). Condition: Long QT syndrome 5. Review status: no classification provided. Collection method: in vitro. Allele origin: not applicable. Functional consequence: Effect on ion channel function. Not counted in ClinVar's aggregate classification.
ClinVar note: "not provided" was previously submitted as the classification for the variant. However, the classification appeared to be based only on an observation of functional data so it was converted to no classification on 2025-07-30.